The following is an entry in ClinVar:

ClinVar aggregate classification (germline): Conflicting classifications of pathogenicity. Review status: criteria provided, conflicting classifications (1 of 4 stars). 5 submissions from 5 submitters: Uncertain significance (4); Likely benign (1). Last evaluated 2026-04-29.

Conditions:
Hereditary cancer-predisposing syndrome. Also called: Tumor predisposition; Hereditary neoplastic syndrome; Neoplastic Syndromes, Hereditary; Hereditary Cancer Syndrome. Identifiers: Orphanet 140162, MedGen C0027672, MeSH D009386, MONDO:0015356.
Gorlin syndrome. Also called: Nevoid Basal Cell Carcinoma Syndrome; Basal cell nevus syndrome. Identifiers: Orphanet 377, MedGen C0004779, MONDO:0007187.
PTCH1-related disorder. Also called: PTCH1-related disorders; PTCH1-related condition.

Allele frequency attached by ClinVar (database versions not stated): gnomAD exomes below 0.00001 and 0.00001; ExAC 0.00001.
gnomAD v4.1: 6 of 1,614,066 alleles (0.00037%); highest among the groups gnomAD compares: Admixed American, 0.0033%; no homozygotes.

Submissions (5):

PreventionGenetics, part of Exact Sciences
Classification: Uncertain significance for PTCH1-related condition. Last evaluated: 2026-04-29. Review status: criteria provided, single submitter. Criteria: ACMG Guidelines, 2015. Collection method: clinical testing. Allele origin: germline.
Comment: The PTCH1 c.451G>T variant is predicted to result in the amino acid substitution p.Ala151Ser. To our knowledge, this variant has not been reported in the literature. This variant is reported in 0.0018% of alleles in individuals of European (Non-Finnish) descent in gnomAD and has conflicting interpretations in ClinVar ranging from likely benign to uncertain (Variation ID: 453895). At this time, the clinical significance of this variant is uncertain due to the absence of conclusive functional and genetic evidence.

Ambry Genetics
Classification: Uncertain significance for Hereditary cancer-predisposing syndrome. Last evaluated: 2025-11-28. Review status: criteria provided, single submitter. Criteria: Ambry Variant Classification Scheme 2023. Collection method: clinical testing. Allele origin: germline.
Comment: The p.A151S variant (also known as c.451G>T), located in coding exon 3 of the PTCH1 gene, results from a G to T substitution at nucleotide position 451. The alanine at codon 151 is replaced by serine, an amino acid with similar properties. This amino acid position is highly conserved in available vertebrate species. In addition, the in silico prediction for this alteration is inconclusive. Since supporting evidence is limited at this time, the clinical significance of this alteration remains unclear.

Labcorp Genetics (formerly Invitae), Labcorp
Classification: Likely benign for Gorlin syndrome. Last evaluated: 2025-08-26. Review status: criteria provided, single submitter. Criteria: Invitae Variant Classification Sherloc (09022015). Collection method: clinical testing. Allele origin: germline.

Quest Diagnostics Nichols Institute San Juan Capistrano
Classification: Uncertain significance. Last evaluated: 2025-01-23. Review status: criteria provided, single submitter. Criteria: Quest Diagnostics criteria. Collection method: clinical testing. Allele origin: unknown.
Comment: The PTCH1 c.451G>T (p.Ala151Ser) variant has not been reported in individuals with PTCH1-related conditions in the published literature. The frequency of this variant in the general population (Genome Aggregation Database) is uninformative in the assessment of its pathogenicity. Analysis of this variant using bioinformatics tools for the prediction of the effect of amino acid changes on protein structure and function yielded conflicting predictions that this variant is deleterious or benign. Based on the available information, we are unable to determine the clinical significance of this variant.

GeneDx
Classification: Uncertain significance. Last evaluated: 2022-12-23. Review status: criteria provided, single submitter. Criteria: GeneDx Variant Classification Process June 2021. Collection method: clinical testing. Allele origin: germline. Affected: yes.
Comment: Not observed at significant frequency in large population cohorts (gnomAD); In silico analysis supports that this missense variant does not alter protein structure/function; Has not been previously published as pathogenic or benign to our knowledge; This variant is associated with the following publications: (PMID: 8906794)

NM_000264.5(PTCH1):c.451G>T (p.Ala151Ser)

Gene: PTCH1 (patched 1; minus strand). Cytogenetic location: 9q22.32.
Variant type: single nucleotide variant.
Coding change: c.451G>T on transcript NM_000264.5 (MANE Select); coding-DNA position 451, G replaced by T.
Protein change: p.Ala151Ser; replaces alanine 151 with serine.
Molecular consequence: missense variant. On other transcripts: 5 prime UTR variant (4), non-coding transcript variant (1).
Genome position (GRCh38, 1-based): chr9:95,485,818, C>A on the plus strand (G>T on the coding strand, the complement: PTCH1 is on the minus strand). VCF-style: chr9-95485818-C-A. GRCh37 (hg19) VCF-style: chr9-98248100-C-A.
Other names: c.451G>T (NM_000264.4); c.253G>T, p.Ala85Ser (NM_001083602.3, NM_001354919.2); c.448G>T, p.Ala150Ser (NM_001083603.3); c.-3G>T (NM_001083604.3, NM_001083605.3, NM_001083606.3 and 1 more transcripts); c.451G>T, p.Ala151Ser (NM_001354918.2); short protein forms A85S, A151S, A150S.
Identifiers: ClinVar variation 453895 (VCV000453895.16), dbSNP rs751024812, ClinGen allele CA5138937.